The following is an entry in ClinVar:

ClinVar aggregate classification (germline): Uncertain significance (1 of 4 stars; one submission).

Conditions:
Neurofibromatosis, type 2 (SWNV). Also called: BILATERAL ACOUSTIC NEUROFIBROMATOSIS; SCHWANNOMATOSIS, VESTIBULAR; NF2-Related Schwannomatosis. Identifiers: Orphanet 637, MedGen C0027832, MONDO:0007039, OMIM 101000. Disease mechanism: loss of function.

Submission:

Labcorp Genetics (formerly Invitae), Labcorp
Classification: Uncertain significance for Neurofibromatosis, type 2. Last evaluated: 2024-07-17. Review status: criteria provided, single submitter. Criteria: Invitae Variant Classification Sherloc (09022015). Collection method: clinical testing. Allele origin: germline.
Comment: This sequence change replaces glutamine, which is neutral and polar, with lysine, which is basic and polar, at codon 407 of the NF2 protein (p.Gln407Lys). This variant is not present in population databases (gnomAD no frequency). This variant has not been reported in the literature in individuals affected with NF2-related conditions. Advanced modeling of protein sequence and biophysical properties (such as structural, functional, and spatial information, amino acid conservation, physicochemical variation, residue mobility, and thermodynamic stability) performed at Invitae indicates that this missense variant is not expected to disrupt NF2 protein function with a negative predictive value of 80%. In summary, the available evidence is currently insufficient to determine the role of this variant in disease. Therefore, it has been classified as a Variant of Uncertain Significance.

NM_000268.4(NF2):c.1219C>A (p.Gln407Lys)

Gene: NF2 (NF2, moesin-ezrin-radixin like (MERLIN) tumor suppressor; plus strand). Cytogenetic location: 22q12.2.
Variant type: single nucleotide variant.
Coding change: c.1219C>A on transcript NM_000268.4 (MANE Select); coding-DNA position 1219, C replaced by A.
Protein change: p.Gln407Lys; replaces glutamine 407 with lysine.
Molecular consequence: missense variant. On other transcripts: intron variant (1).
Genome position (GRCh38, 1-based): chr22:29,673,365, C>A. VCF-style: chr22-29673365-C-A. GRCh37 (hg19) VCF-style: chr22-30069354-C-A.
Other names: c.1105C>A, p.Gln369Lys (NM_001407053.1, NM_001407056.1); c.1096C>A, p.Gln366Lys (NM_001407054.1, NM_001407058.1, NM_181829.3); c.1093C>A, p.Gln365Lys (NM_001407055.1, NM_181828.3); c.1084C>A, p.Gln362Lys (NM_001407057.1, NM_001407059.1); c.1219C>A, p.Gln407Lys (NM_001407060.1, NM_001407066.1, NM_016418.5 and 2 more transcripts); c.961C>A, p.Gln321Lys (NM_001407062.1); c.970C>A, p.Gln324Lys (NM_001407063.1, NM_001407064.1, NM_181830.3 and 1 more transcripts); c.685C>A, p.Gln229Lys (NM_001407065.1); and 2 more; short protein forms Q324K, Q330K, Q229K, Q362K, Q365K, Q321K, Q407K, Q366K.
Identifiers: ClinVar variation 3659760 (VCV003659760.2).
Genomic context (GRCh38, chr22:29,673,365, plus strand): 5'-AAGGCCCAGATCACCGAGGAGGAGGCAAAACTTCTGGCCCAGAAGGCCGCAGAGGCTGAG[C>A]AGGAAATGCAGCGCATCAAGGCCACAGCGATTCGCACGGAGGAGGAGAAGCGCCTGATGG-3'
Protein context (NP_000259.1, residues 397-417): LLAQKAAEAE[Gln407Lys]EMQRIKATAI